The following is an entry in ClinVar:

NM_001010892.3(RSPH4A):c.1558C>T (p.Arg520Ter)

Gene: RSPH4A (radial spoke head component 4A; plus strand). Cytogenetic location: 6q22.1.
Variant type: single nucleotide variant.
Coding change: c.1558C>T on transcript NM_001010892.3 (MANE Select); coding-DNA position 1558, C replaced by T.
Protein change: p.Arg520Ter; replaces arginine 520 with a stop codon.
Molecular consequence: nonsense.
Genome position (GRCh38, 1-based): chr6:116,628,265, C>T. VCF-style: chr6-116628265-C-T. GRCh37 (hg19) VCF-style: chr6-116949428-C-T.
Other names: c.1558C>T, p.Arg520Ter (NM_001161664.2); c.1558C>T (NM_001010892.2); short protein forms R520*.
Identifiers: ClinVar variation 1069488 (VCV001069488.14), dbSNP rs767646489, ClinGen allele CA3970971.

ClinVar aggregate classification (germline): Pathogenic. Review status: criteria provided, multiple submitters, no conflicts (2 of 4 stars). 5 submissions from 5 submitters: Pathogenic (5). Last evaluated 2025-08-15.

Conditions:
Primary ciliary dyskinesia 11. Also called: CILIARY DYSKINESIA, PRIMARY, 11, WITHOUT SITUS INVERSUS. Identifiers: Orphanet 244, MedGen C2675229, MONDO:0012978, OMIM 612649.
Primary ciliary dyskinesia. Also called: Ciliary dyskinesia. Identifiers: Orphanet 244, MedGen C0008780, MONDO:0016575, HP:0012265.

Allele frequency attached by ClinVar (database versions not stated): gnomAD 0.00001 and 0.00002; TOPMed 0.00002; ExAC 0.00003; gnomAD exomes 0.00003 and 0.00004; 1000 Genomes Project 30x 0.00016.

Submissions (5):

Department of Genetics, Sultan Qaboos University Hospital
Classification: Pathogenic for Primary ciliary dyskinesia. Last evaluated: 2025-08-15. Review status: criteria provided, single submitter. Criteria: ACMG Guidelines, 2015. Collection method: research. Allele origin: germline. Affected: yes.

GeneDx
Classification: Pathogenic. Last evaluated: 2025-08-05. Review status: criteria provided, single submitter. Criteria: GeneDx Variant Classification Process June 2021. Collection method: clinical testing. Allele origin: germline. Affected: yes.
Comment: Nonsense variant predicted to result in protein truncation or nonsense mediated decay in a gene for which loss of function is a known mechanism of disease; This variant is associated with the following publications: (PMID: 27848944, 40183288)

First Genomix Gene Laboratory, Genetic Diagnostics Department
Classification: Pathogenic for Primary ciliary dyskinesia 11. Last evaluated: 2025-06-02. Review status: criteria provided, single submitter. Criteria: ACMG Guidelines, 2015. Collection method: clinical testing. Allele origin: germline. Inheritance: Autosomal recessive inheritance. Affected: no. Observed: 1 variant allele.

Genomic Medicine Center of Excellence, King Faisal Specialist Hospital and Research Centre
Classification: Pathogenic for Primary ciliary dyskinesia 11. Last evaluated: 2024-03-17. Review status: criteria provided, single submitter. Criteria: ACMG Guidelines, 2015. Collection method: research. Allele origin: germline.

Labcorp Genetics (formerly Invitae), Labcorp
Classification: Pathogenic for Primary ciliary dyskinesia. Last evaluated: 2022-08-23. Review status: criteria provided, single submitter. Criteria: Invitae Variant Classification Sherloc (09022015). Collection method: clinical testing. Allele origin: germline.
Comment: For these reasons, this variant has been classified as Pathogenic. Algorithms developed to predict the effect of sequence changes on RNA splicing suggest that this variant may disrupt the consensus splice site. ClinVar contains an entry for this variant (Variation ID: 1069488). This premature translational stop signal has been observed in individual(s) with clinical features of primary ciliary dyskinesia (PMID: 27848944). This variant is present in population databases (rs767646489, gnomAD 0.02%). This sequence change creates a premature translational stop signal (p.Arg520*) in the RSPH4A gene. It is expected to result in an absent or disrupted protein product. Loss-of-function variants in RSPH4A are known to be pathogenic (PMID: 19200523).

Literature cited by the submitters: PubMed 27848944 (cited by Labcorp Genetics (formerly Invitae), Labcorp); PubMed 19200523 (cited by Labcorp Genetics (formerly Invitae), Labcorp).